The following is an entry in ClinVar:

ClinVar aggregate classification (germline): Pathogenic (1 of 4 stars; one submission).

Conditions:
Pallister-Hall syndrome (PHS). Also called: GLI3-Related Pallister-Hall Syndrome; HYPOTHALAMIC HAMARTOBLASTOMA, HYPOPITUITARISM, IMPERFORATE ANUS, AND POSTAXIAL POLYDACTYLY. Identifiers: Orphanet 672, MedGen C0265220, MONDO:0007804, OMIM 146510.
Greig cephalopolysyndactyly syndrome (GCPS). Also called: Greig syndrome; POLYSYNDACTYLY WITH PECULIAR SKULL SHAPE; GLI3-Related Greig Cephalopolysyndactyly Syndrome. Identifiers: Orphanet 380, MedGen C0265306, MONDO:0008287, OMIM 175700.

Submission:

Labcorp Genetics (formerly Invitae), Labcorp
Classification: Pathogenic for Pallister-Hall syndrome; Greig cephalopolysyndactyly syndrome. Last evaluated: 2017-12-20. Review status: criteria provided, single submitter. Criteria: Invitae Variant Classification Sherloc (09022015). Collection method: clinical testing. Allele origin: germline.
Comment: This sequence change results in a premature translational stop signal in the GLI3 gene (p.Glu1500*). While this is not anticipated to result in nonsense mediated decay, it is expected to delete the last 81 amino acids of the GLI3 protein. This variant is not present in population databases (ExAC no frequency). For these reasons, this variant has been classified as Pathogenic.

NM_000168.6(GLI3):c.4498G>T (p.Glu1500Ter)

Gene: GLI3 (GLI family zinc finger 3; minus strand). Cytogenetic location: 7p14.1.
Variant type: single nucleotide variant.
Coding change: c.4498G>T on transcript NM_000168.6 (MANE Select); coding-DNA position 4498, G replaced by T.
Protein change: p.Glu1500Ter; replaces glutamic acid 1500 with a stop codon.
Molecular consequence: nonsense.
Genome position (GRCh38, 1-based): chr7:41,964,575, C>A on the plus strand (G>T on the coding strand, the complement: GLI3 is on the minus strand). VCF-style: chr7-41964575-C-A. GRCh37 (hg19) VCF-style: chr7-42004173-C-A.
Other names: short protein forms E1500*.
Identifiers: ClinVar variation 566915 (VCV000566915.8), dbSNP rs1562656759, ClinGen allele CA367314894.
Genomic context (GRCh38, chr7:41,964,575, plus strand): 5'-ACATCAGGCTGGAGTGGTCCCCATCGTCTATGATGGCATCGAAGTCAATCTGTACCCCTT[C>A]CAGGTCATGGCTGTCGAGGCTGTCCACTGTGCTTGTCACCTGATTAGCACCTGGGGAAAG-3'